The following is an entry in ClinVar:

NM_001370298.3(FGD4):c.764C>T (p.Ala255Val)

Gene: FGD4 (FYVE, RhoGEF and PH domain containing 4; plus strand). Cytogenetic location: 12p11.21.
Variant type: single nucleotide variant.
Coding change: c.764C>T on transcript NM_001370298.3 (MANE Select); coding-DNA position 764, C replaced by T.
Protein change: p.Ala255Val; replaces alanine 255 with valine.
Molecular consequence: missense variant. On other transcripts: 5 prime UTR variant (2), non-coding transcript variant (1), intron variant (1).
Genome position (GRCh38, 1-based): chr12:32,582,220, C>T. VCF-style: chr12-32582220-C-T. GRCh37 (hg19) VCF-style: chr12-32735154-C-T.
Other names: c.608C>T, p.Ala203Val (NM_001304481.2); c.-492C>T (NM_001304483.2); c.-799C>T (NM_001304484.2); c.74C>T, p.Ala25Val (NM_001330373.2, NM_001330374.2, NM_001384130.1); c.764C>T, p.Ala255Val (NM_001384126.1); c.353C>T, p.Ala118Val (NM_001384127.1, NM_001384128.1, NM_001384131.1 and 3 more transcripts); c.49-16277C>T (NM_001370297.1); short protein forms A118V, A255V, A25V, A203V.
Identifiers: ClinVar variation 1039249 (VCV001039249.9), dbSNP rs1946672101, ClinGen allele CA384356080.

ClinVar aggregate classification (germline): Uncertain significance (1 of 4 stars; one submission).

Conditions:
Charcot-Marie-Tooth disease type 4. Also called: Charcot-Marie-Tooth, Type 4; Charcot-Marie-Tooth disease, type IV. Identifiers: Orphanet 64749, MedGen C4082197, MONDO:0018995.

gnomAD v4.1: 1 of 1,614,224 alleles (0.000062%); highest among the groups gnomAD compares: Non-Finnish European, 0.000085%; no homozygotes.

Submission:

Labcorp Genetics (formerly Invitae), Labcorp
Classification: Uncertain significance for Charcot-Marie-Tooth disease type 4. Last evaluated: 2020-01-09. Review status: criteria provided, single submitter. Criteria: Invitae Variant Classification Sherloc (09022015). Collection method: clinical testing. Allele origin: germline.
Comment: In summary, the available evidence is currently insufficient to determine the role of this variant in disease. Therefore, it has been classified as a Variant of Uncertain Significance. Algorithms developed to predict the effect of missense changes on protein structure and function (SIFT, PolyPhen-2, Align-GVGD) all suggest that this variant is likely to be tolerated, but these predictions have not been confirmed by published functional studies and their clinical significance is uncertain. This variant has not been reported in the literature in individuals with FGD4-related conditions. This variant is not present in population databases (ExAC no frequency). This sequence change replaces alanine with valine at codon 118 of the FGD4 protein (p.Ala118Val). The alanine residue is weakly conserved and there is a small physicochemical difference between alanine and valine.